The following is an entry in ClinVar:

NM_152564.5(VPS13B):c.1978C>T (p.Leu660=)

Gene: VPS13B (vacuolar protein sorting 13 homolog B; plus strand). Cytogenetic location: 8q22.2.
Variant type: single nucleotide variant.
Coding change: c.1978C>T on transcript NM_152564.5 (MANE Select); coding-DNA position 1978, C replaced by T.
Protein change: p.Leu660=; no amino-acid change (leucine 660 retained).
Molecular consequence: synonymous variant.
Genome position (GRCh38, 1-based): chr8:99,147,975, C>T. VCF-style: chr8-99147975-C-T. GRCh37 (hg19) VCF-style: chr8-100160203-C-T.
Other names: c.1978C>T, p.Leu660= (NM_015243.3, NM_017890.5).
Identifiers: ClinVar variation 2165957 (VCV002165957.6), dbSNP rs1334256561, ClinGen allele CA462423983.

ClinVar aggregate classification (germline): Likely benign. Review status: criteria provided, multiple submitters, no conflicts (2 of 4 stars). 3 submissions from 3 submitters: Likely benign (3). Last evaluated 2025-07-28.

Conditions:
VPS13B-related disorder. Also called: VPS13B-related condition.
Cohen syndrome (COH1). Also called: PEPPER SYNDROME; Cutis verticis gyrata, retinitis pigmentosa, and sensorineural deafness. Identifiers: Orphanet 193, MedGen C0265223, MONDO:0008999, OMIM 216550.

Allele frequency attached by ClinVar (database versions not stated): TOPMed below 0.00001; gnomAD 0.00001.
gnomAD v4.1: 2 of 1,613,308 alleles (0.00012%); highest among the groups gnomAD compares: Admixed American, 0.0033%; no homozygotes.

Submissions (3):

PreventionGenetics, part of Exact Sciences
Classification: Likely benign for VPS13B-related condition. Last evaluated: 2025-07-28. Review status: criteria provided, single submitter. Criteria: ACMG Guidelines, 2015. Collection method: clinical testing. Allele origin: germline.
Comment: This variant is classified as likely benign based on ACMG/AMP sequence variant interpretation guidelines (Richards et al. 2015 PMID: 25741868, with internal and published modifications).

Labcorp Genetics (formerly Invitae), Labcorp
Classification: Likely benign for Cohen syndrome. Last evaluated: 2024-08-31. Review status: criteria provided, single submitter. Criteria: Invitae Variant Classification Sherloc (09022015). Collection method: clinical testing. Allele origin: germline.

Blueprint Genetics
Classification: Likely benign. Last evaluated: 2021-09-09. Review status: criteria provided, single submitter. Criteria: ACMG Guidelines, 2015. Collection method: clinical testing. Allele origin: germline.